The following is an entry in ClinVar:

ClinVar aggregate classification (germline): Uncertain significance (1 of 4 stars; one submission).

Conditions:
Brachyolmia-amelogenesis imperfecta syndrome. Also called: Tooth agenesis, selective, 6; Dental anomalies and short stature; PLATYSPONDYLY WITH AMELOGENESIS IMPERFECTA. Identifiers: Orphanet 2899, MedGen C1832594, MONDO:0011018, OMIM 601216. Disease mechanism: loss of function.

gnomAD v4.1: 4 of 1,613,750 alleles (0.00025%); highest among the groups gnomAD compares: Non-Finnish European, 0.00034%; no homozygotes.

Submission:

Labcorp Genetics (formerly Invitae), Labcorp
Classification: Uncertain significance for Brachyolmia-amelogenesis imperfecta syndrome. Last evaluated: 2024-10-15. Review status: criteria provided, single submitter. Criteria: Invitae Variant Classification Sherloc (09022015). Collection method: clinical testing. Allele origin: germline.
Comment: This sequence change replaces glutamine, which is neutral and polar, with leucine, which is neutral and non-polar, at codon 939 of the LTBP3 protein (p.Gln939Leu). This variant is not present in population databases (gnomAD no frequency). This variant has not been reported in the literature in individuals affected with LTBP3-related conditions. An algorithm developed to predict the effect of missense changes on protein structure and function (PolyPhen-2) suggests that this variant is likely to be disruptive. In summary, the available evidence is currently insufficient to determine the role of this variant in disease. Therefore, it has been classified as a Variant of Uncertain Significance.

NM_001130144.3(LTBP3):c.2816A>T (p.Gln939Leu)

Gene: LTBP3 (latent transforming growth factor beta binding protein 3; minus strand). Cytogenetic location: 11q13.1.
Variant type: single nucleotide variant.
Coding change: c.2816A>T on transcript NM_001130144.3 (MANE Select); coding-DNA position 2816, A replaced by T.
Protein change: p.Gln939Leu; replaces glutamine 939 with leucine.
Molecular consequence: missense variant.
Genome position (GRCh38, 1-based): chr11:65,541,203, T>A on the plus strand (A>T on the coding strand, the complement: LTBP3 is on the minus strand). VCF-style: chr11-65541203-T-A. GRCh37 (hg19) VCF-style: chr11-65308674-T-A.
Other names: c.2465A>T, p.Gln822Leu (NM_001164266.1); c.2816A>T, p.Gln939Leu (NM_021070.4); short protein forms Q939L, Q822L.
Identifiers: ClinVar variation 3647082 (VCV003647082.2).
Genomic context (GRCh38, chr11:65,541,203, plus strand): 5'-CAGGGGTAGATTTCGCAGTGGTCGCCCCAGCCGGCCCCCAGAGAGCAGCAGCACTCCTGC[T>A]GGGTCACGTTGGTGGCCAATACGCTGTCGCAGAACACTGTGTCATCGAAGTTCAGGTAGC-3'
Protein context (NP_001123616.1, residues 929-949): CDSVLATNVT[Gln939Leu]QECCCSLGAG